The following is an entry in ClinVar:

NM_005422.4(TECTA):c.5471G>C (p.Gly1824Ala)

Genes: TBCEL-TECTA (TBCEL-TECTA readthrough; plus strand), TECTA (tectorin alpha; plus strand). Cytogenetic location: 11q23.3.
Variant type: single nucleotide variant.
Coding change: c.5471G>C on transcript NM_005422.4 (MANE Select); coding-DNA position 5471, G replaced by C.
Protein change: p.Gly1824Ala; replaces glycine 1824 with alanine.
Molecular consequence: missense variant.
Genome position (GRCh38, 1-based): chr11:121,166,665, G>C. VCF-style: chr11-121166665-G-C. GRCh37 (hg19) VCF-style: chr11-121037374-G-C.
Other names: c.6413G>C, p.Gly2138Ala (NM_001378761.1); short protein forms G1824A, G2138A.
Identifiers: ClinVar variation 1321770 (VCV001321770.5), dbSNP rs267607107, ClinGen allele CA383034488.
Genomic context (GRCh38, chr11:121,166,665, plus strand): 5'-TGACCTGCAAAGCAGCCCAAATGGAAGTGTCCATATCTAAGTGCAAGCTCTTCCAGCTCG[G>C]TTTTGAGAGGGAGGGCGTGAGGATCAATGACAGACAGTGCACCGGCATCGAGGGGGAAGA-3'
Protein context (NP_005413.2, residues 1814-1834): SISKCKLFQL[Gly1824Ala]FEREGVRIND

ClinVar aggregate classification (germline): Uncertain significance. Review status: criteria provided, multiple submitters, no conflicts (2 of 4 stars). 3 submissions from 3 submitters: Uncertain significance (3). Last evaluated 2025-08-25.

Conditions:
TECTA-related disorder. Also called: TECTA-related condition.
Inborn genetic diseases. Identifiers: MedGen C0950123, MeSH D030342.

gnomAD v4.1: 2 of 1,614,210 alleles (0.00012%); highest among the groups gnomAD compares: Admixed American, 0.0033%; no homozygotes.

Submissions (3):

Ambry Genetics
Classification: Uncertain significance for Inborn genetic diseases. Last evaluated: 2025-08-25. Review status: criteria provided, single submitter. Criteria: Ambry Variant Classification Scheme 2023. Collection method: clinical testing. Allele origin: germline.

PreventionGenetics, part of Exact Sciences
Classification: Uncertain significance for TECTA-related condition. Last evaluated: 2025-01-10. Review status: criteria provided, single submitter. Criteria: ACMG Guidelines, 2015. Collection method: clinical testing. Allele origin: germline.
Comment: The TECTA c.5471G>C variant is predicted to result in the amino acid substitution p.Gly1824Ala. To our knowledge, this variant has not been reported in the literature. This variant is reported in 0.0029% of alleles in individuals of Latino descent in gnomAD. At this time, the clinical significance of this variant is uncertain due to the absence of conclusive functional and genetic evidence.

GeneDx
Classification: Uncertain significance. Last evaluated: 2024-06-18. Review status: criteria provided, single submitter. Criteria: GeneDx Variant Classification Process June 2021. Collection method: clinical testing. Allele origin: germline. Affected: yes.
Comment: Not observed at significant frequency in large population cohorts (gnomAD); In silico analysis indicates that this missense variant does not alter protein structure/function; Has not been previously published as pathogenic or benign to our knowledge; This variant is associated with the following publications: (PMID: 16718611, 9590290, 31554319, 21520338)